The following is an entry in ClinVar:

ClinVar aggregate classification (germline): Pathogenic. Review status: reviewed by expert panel (3 of 4 stars). 14 submissions from 14 submitters: Pathogenic (1). 13 of the submissions do not count toward it. Last evaluated 2016-09-08.

Conditions:
Breast and/or ovarian cancer. Identifiers: MedGen CN221562.
Breast-ovarian cancer, familial, susceptibility to, 1 (BROVCA1). Also called: BRCA1 Hereditary Breast and Ovarian Cancer; OVARIAN CANCER, SUSCEPTIBILITY TO. Identifiers: Orphanet 145, MedGen C2676676, MONDO:0011450, OMIM 604370. Disease mechanism: loss of function.
Familial cancer of breast. Also called: hereditary breast carcinoma; BREAST CANCER, FAMILIAL; Hereditary breast cancer. Identifiers: Orphanet 227535, MedGen C0346153, MONDO:0016419, OMIM 114480. Disease mechanism: loss of function.
Fanconi anemia, complementation group S (FANCS). Identifiers: MedGen C4554406, MONDO:0054748, OMIM 617883.
Inherited ovarian cancer (without breast cancer).
Hereditary cancer-predisposing syndrome. Also called: Hereditary Cancer Syndrome; Hereditary neoplastic syndrome; Neoplastic Syndromes, Hereditary; Tumor predisposition. Identifiers: Orphanet 140162, MedGen C0027672, MeSH D009386, MONDO:0015356.
Hereditary breast ovarian cancer syndrome. Also called: BRCA1- and BRCA2-Associated Hereditary Breast and Ovarian Cancer; Hereditary breast and ovarian cancer syndrome; Hereditary breast and ovarian cancer syndrome (HBOC); Breast and ovarian cancer; Hereditary breast and/or ovarian cancer syndrome; Hereditary breast and ovarian cancer. Identifiers: Orphanet 145, MedGen C0677776, MeSH D061325, MONDO:0003582. Disease mechanism: loss of function.

Submissions (14):

Evidence-based Network for the Interpretation of Germline Mutant Alleles (ENIGMA)
Classification: Pathogenic for Breast-ovarian cancer, familial, susceptibility to, 1. Last evaluated: 2016-09-08. Review status: reviewed by expert panel. Criteria: ENIGMA BRCA1/2 Classification Criteria (2015). Collection method: curation. Allele origin: germline.
Comment: Variant allele predicted to encode a truncated non-functional protein.

Genetics Laboratory, Great Ormond Street Hospital NHS Foundation Trust, North Thames Genomic Laboratory Hub
Classification: Pathogenic for Inherited ovarian cancer (without breast cancer). Last evaluated: 2026-06-17. Review status: criteria provided, single submitter. Criteria: CanVIG BRCA Gene Specific V1.22. Collection method: clinical testing. Allele origin: germline. Affected: yes. Not counted in ClinVar's aggregate classification.
Comment: PS4_supporting, PM2_supporting, PVS1_very-strong, PM5_strong

Labcorp Genetics (formerly Invitae), Labcorp
Classification: Pathogenic for Hereditary breast ovarian cancer syndrome. Last evaluated: 2026-01-22. Review status: criteria provided, single submitter. Criteria: Invitae Variant Classification Sherloc (09022015). Collection method: clinical testing. Allele origin: germline. Not counted in ClinVar's aggregate classification.
Comment: This sequence change creates a premature translational stop signal (p.Ser229Leufs*5) in the BRCA1 gene. It is expected to result in an absent or disrupted protein product. Loss-of-function variants in BRCA1 are known to be pathogenic (PMID: 20104584). This variant is not present in population databases (gnomAD no frequency). This premature translational stop signal has been observed in individual(s) with breast cancer (PMID: 24578176, 27553291). This variant is also known as 804delT. ClinVar contains an entry for this variant (Variation ID: 55666). For these reasons, this variant has been classified as Pathogenic.

Ambry Genetics
Classification: Pathogenic for Hereditary cancer-predisposing syndrome. Last evaluated: 2024-03-05. Review status: criteria provided, single submitter. Criteria: Ambry Variant Classification Scheme 2023. Collection method: clinical testing. Allele origin: germline. Not counted in ClinVar's aggregate classification.
Comment: The c.685delT pathogenic mutation, located in coding exon 9 of the BRCA1 gene, results from a deletion of one nucleotide at nucleotide position 685, causing a translational frameshift with a predicted alternate stop codon (p.S229Lfs*5). This alteration was identified in multiple individuals diagnosed with breast and/or ovarian cancer (Rashid MU et al. BMC Cancer, 2016 08;16:673; Singh J et al. Breast Cancer Res. Treat., 2018 Jul;170:189-196). This alteration was also identified in a large, worldwide study of BRCA1/2 mutation positive families (Rebbeck TR et al. Hum. Mutat., 2018 05;39:593-620). This variant is considered to be rare based on population cohorts in the Genome Aggregation Database (gnomAD). In addition to the clinical data presented in the literature, this alteration is expected to result in loss of function by premature protein truncation or nonsense-mediated mRNA decay. As such, this alteration is interpreted as a disease-causing mutation.

Department of Pathology and Laboratory Medicine, Sinai Health System
Classification: Pathogenic for Familial cancer of breast; Breast-ovarian cancer, familial, susceptibility to, 1; Fanconi anemia, complementation group S. Last evaluated: 2022-11-14. Review status: criteria provided, single submitter. Criteria: ACMG Guidelines, 2015. Collection method: clinical testing. Allele origin: germline. Affected: yes. Not counted in ClinVar's aggregate classification.

Baylor Genetics
Classification: Pathogenic for Breast-ovarian cancer, familial, susceptibility to, 1. Last evaluated: 2022-02-15. Review status: criteria provided, single submitter. Criteria: ACMG Guidelines, 2015. Collection method: clinical testing. Allele origin: unknown. Not counted in ClinVar's aggregate classification.

CHEO Genetics Diagnostic Laboratory, Children's Hospital of Eastern Ontario
Classification: Pathogenic for Breast and/or ovarian cancer. Last evaluated: 2020-08-12. Review status: criteria provided, single submitter. Criteria: ACMG Guidelines, 2015. Collection method: clinical testing. Allele origin: germline. Not counted in ClinVar's aggregate classification.

Color Diagnostics, LLC DBA Color Health
Classification: Pathogenic for Hereditary cancer-predisposing syndrome. Last evaluated: 2020-01-15. Review status: criteria provided, single submitter. Criteria: ACMG Guidelines, 2015. Collection method: clinical testing. Allele origin: germline. Not counted in ClinVar's aggregate classification.
Comment: This variant deletes 1 nucleotide in exon 10 of the BRCA1 gene, creating a frameshift and premature translation stop signal. This variant is expected to result in an absent or non-functional protein product. This variant has not been identified in the general population by the Genome Aggregation Database (gnomAD). Loss of BRCA1 function is a known mechanism of disease. Based on the available evidence, this variant is classified as Pathogenic.

Women's Health and Genetics/Laboratory Corporation of America, LabCorp
Classification: Pathogenic for Hereditary breast and ovarian cancer syndrome. Last evaluated: 2019-09-23. Review status: criteria provided, single submitter. Criteria: LabCorp Variant Classification Summary - May 2015. Collection method: clinical testing. Allele origin: germline. Not counted in ClinVar's aggregate classification.
Comment: Variant summary: BRCA1 c.685delT (p.Ser229LeufsX5) results in a premature termination codon, predicted to cause a truncation of the encoded protein or absence of the protein due to nonsense mediated decay, which are commonly known mechanisms for disease. The variant was absent in 246068 control chromosomes (gnomAD). c.685delT has been reported in the literature in multiple individuals affected with Hereditary Breast and Ovarian Cancer (e.g. Rashid_2016, Singh_2018, Rebbeck_2018). These data indicate that the variant is very likely to be associated with disease. To our knowledge, no experimental evidence demonstrating an impact on protein function has been reported. Five ClinVar submitters (evaluation after 2014) including one expert panel (ENIGMA) cite the variant as pathogenic (4x)/likely pathogenic (1x). Based on the evidence outlined above, the variant was classified as pathogenic.

GeneDx
Classification: Pathogenic. Last evaluated: 2018-06-14. Review status: criteria provided, single submitter. Criteria: GeneDx Variant Classification (06012015). Collection method: clinical testing. Allele origin: germline. Affected: yes. Not counted in ClinVar's aggregate classification.
Comment: This deletion of one nucleotide in BRCA1 is denoted c.685delT at the cDNA level and p.Ser229LeufsX5 (S229LfsX5) at the protein level. Using alternate nomenclature this variant would be defined as BRCA1 804delT. The normal sequence, with the base that is deleted in brackets, is ATTT[delT]CTGA. The deletion causes a frameshift which changes a Serine to a Leucine at codon 229, and creates a premature stop codon at position 5 of the new reading frame. It is predicted to cause loss of normal protein function through either protein truncation or nonsense-mediated mRNA decay. BRCA1 c.685delT has been observed two individuals with triple negative breast cancer (Rashid 2016). We consider this variant to be pathogenic.

Consortium of Investigators of Modifiers of BRCA1/2 (CIMBA), c/o University of Cambridge
Classification: Pathogenic for Breast-ovarian cancer, familial, susceptibility to, 1. Last evaluated: 2015-10-02. Review status: criteria provided, single submitter. Criteria: CIMBA Mutation Classification guidelines May 2016. Collection method: clinical testing. Allele origin: germline. Not counted in ClinVar's aggregate classification.

Cancer Genomics Lab, PINUM Cancer Hospital
Classification: Pathogenic for Hereditary breast ovarian cancer syndrome. Last evaluated: 2023-03-30. Review status: no assertion criteria provided. Collection method: clinical testing. Allele origin: germline. Affected: yes. Not counted in ClinVar's aggregate classification.

Counsyl
Classification: Likely pathogenic for Breast-ovarian cancer, familial, susceptibility to, 1. Last evaluated: 2015-11-21. Review status: no assertion criteria provided. Collection method: clinical testing. Allele origin: unknown. Not counted in ClinVar's aggregate classification.

Breast Cancer Information Core (BIC) (BRCA1)
Classification: Pathogenic for Breast-ovarian cancer, familial 1. Last evaluated: 1999-12-22. Review status: no assertion criteria provided. Collection method: clinical testing. Allele origin: germline. Affected: yes. Observed: 2 variant alleles. Not counted in ClinVar's aggregate classification.

Literature cited by the submitters: PubMed 20104584 (cited by Labcorp Genetics (formerly Invitae), Labcorp); PubMed 24578176 (cited by 4 submitters); PubMed 27553291 (cited by 4 submitters); PubMed 25203624 (cited by Ambry Genetics); PubMed 29446198 (cited by Ambry Genetics and Women's Health and Genetics/Laboratory Corporation of America, LabCorp); PubMed 29470806 (cited by 3 submitters); PubMed 31528241 (cited by Ambry Genetics).

NM_007294.4(BRCA1):c.685del (p.Ser229fs)

Gene: BRCA1 (BRCA1 DNA repair associated; minus strand). Cytogenetic location: 17q21.31.
Variant type: Deletion.
Coding change: c.685del on transcript NM_007294.4 (MANE Select); coding-DNA position 685, one base deleted (T; older notation c.685delT).
Protein change: p.Ser229fs; shifts the reading frame from serine 229.
Molecular consequence: frameshift variant. On other transcripts: non-coding transcript variant (1).
Genome position (GRCh38, 1-based): chr17:43,094,846, A deleted on the plus strand (T on the coding strand, the reverse complement: BRCA1 is on the minus strand); the first of 4 consecutive A bases (chr17:43,094,846-43,094,849); deleting any one gives the same sequence. VCF-style (leftmost placement, unchanged base first): chr17-43094845-GA-G. GRCh37 (hg19) VCF-style: chr17-41246862-GA-G.
Other names: 804delT; c.685delT (NM_007294.3); c.469delT, p.Ser158Leufs (NM_001407898.1, NM_001407899.1, NM_001407915.1 and 12 more transcripts); c.472delT, p.Ser159Leufs (NM_001407900.1, NM_001407902.1, NM_001407904.1 and 25 more transcripts); c.559delT, p.Ser188Leufs (NM_001407919.1, NM_001407937.1, NM_001407938.1 and 34 more transcripts); c.418delT, p.Ser141Leufs (NM_001407920.1, NM_001407921.1, NM_001407922.1 and 15 more transcripts); c.415delT, p.Ser140Leufs (NM_001407930.1, NM_001407931.1, NM_001407932.1 and 5 more transcripts); c.556delT, p.Ser187Leufs (NM_001407940.1, NM_001407941.1, NM_001408432.1 and 20 more transcripts); and 18 more; short protein forms S229fs, S182fs.
Identifiers: ClinVar variation 55666 (VCV000055666.28), dbSNP rs80357824, ClinGen allele CA003813.